The following is an entry in ClinVar:

NM_000138.5(FBN1):c.6769G>A (p.Asp2257Asn)

Gene: FBN1 (fibrillin 1; minus strand). Cytogenetic location: 15q21.1.
Variant type: single nucleotide variant.
Coding change: c.6769G>A on transcript NM_000138.5 (MANE Select); coding-DNA position 6769, G replaced by A.
Protein change: p.Asp2257Asn; replaces aspartic acid 2257 with asparagine.
Molecular consequence: missense variant.
Genome position (GRCh38, 1-based): chr15:48,430,773, C>T on the plus strand (G>A on the coding strand, the complement: FBN1 is on the minus strand). VCF-style: chr15-48430773-C-T. GRCh37 (hg19) VCF-style: chr15-48722970-C-T.
Other names: c.6769G>A, p.Asp2257Asn (NM_001406716.1); short protein forms D2257N.
Identifiers: ClinVar variation 3069777 (VCV003069777.1), dbSNP rs2505420225, ClinGen allele CA392332737.

ClinVar aggregate classification (germline): Uncertain significance (1 of 4 stars; one submission).

Conditions:
Marfan syndrome (MFS). Also called: MARFAN SYNDROME, TYPE I; Marfan syndrome type 1; Marfan's syndrome; Marfan syndrome, classic; FBN1-Related Marfan Syndrome. Identifiers: Orphanet 284963, Orphanet 558, MedGen C0024796, MONDO:0007947, OMIM 154700.

Submission:

All of Us Research Program, National Institutes of Health
Classification: Uncertain significance for Marfan syndrome. Last evaluated: 2024-01-11. Review status: criteria provided, single submitter. Criteria: ACMG Guidelines, 2015. Collection method: clinical testing. Allele origin: germline. Inheritance: Autosomal dominant inheritance. Observed: 2 variant alleles, 2 heterozygotes.
Comment: This missense variant replaces aspartic acid with asparagine at codon 2257 of the FBN1 protein. Computational prediction suggests that this variant may not impact protein structure and function (internally defined REVEL score threshold <= 0.5, PMID: 27666373). To our knowledge, functional studies have not been reported for this variant. This variant has not been reported in individuals affected with cardiovascular disorders in the literature. This variant has not been identified in the general population by the Genome Aggregation Database (gnomAD). The available evidence is insufficient to determine the role of this variant in disease conclusively. Therefore, this variant is classified as a Variant of Uncertain Significance.

This study involves interpretation of variants in research participants for the purpose of population health screening. Participant phenotype was not available at the time of variant classification. Additional details can be found in publication PMID: 35346344, PMCID: PMC8962531